The following is an entry in ClinVar:

NM_001110556.2(FLNA):c.7776G>A (p.Val2592=)

Genes: FLNA (filamin A; minus strand), LOC107988032 (Xq28 proximal FLNA-EMD recombination region; plus strand). Cytogenetic location: Xq28.
Variant type: single nucleotide variant.
Coding change: c.7776G>A on transcript NM_001110556.2 (MANE Select); coding-DNA position 7776, G replaced by A.
Protein change: p.Val2592=; no amino-acid change (valine 2592 retained).
Molecular consequence: synonymous variant.
Genome position (GRCh38, 1-based): chrX:154,349,017, C>T on the plus strand (G>A on the coding strand, the complement: FLNA is on the minus strand). VCF-style: chrX-154349017-C-T. GRCh37 (hg19) VCF-style: chrX-153577385-C-T.
Other names: c.7752G>A, p.Val2584= (NM_001456.4).
Identifiers: ClinVar variation 1760466 (VCV001760466.2), dbSNP rs369380495, ClinGen allele CA10559827.
Genomic context (GRCh38, chrX:154,349,017, plus strand): 5'-CCGGCTGCCCACGTGCTTCACCAGGATCTCCTCGCAGGGGGTCCTTGGGCCATGAACCCC[C>T]ACCAGCAGCATGTTGTTGCCTGAGGCAAGAGGGGTCCTCAGTCCCAGGTCCCAGCCCCCT-3'
Protein context (NP_001104026.1, residues 2582-2602): CSKAGNNMLL[Val2592=]GVHGPRTPCE

ClinVar aggregate classification (germline): Uncertain significance (1 of 4 stars; one submission).

Conditions:
Familial thoracic aortic aneurysm and aortic dissection (TAAD). Also called: Thoracic aortic aneurysms and dissections. Identifiers: Orphanet 91387, MedGen C4707243, MONDO:0019625.

Allele frequency attached by ClinVar (database versions not stated): ESP Exome Variant Server 0.00010.

Submission:

Ambry Genetics
Classification: Uncertain significance for Familial thoracic aortic aneurysm and aortic dissection. Last evaluated: 2022-07-28. Review status: criteria provided, single submitter. Criteria: Ambry Variant Classification Scheme 2023. Collection method: clinical testing. Allele origin: germline.
Comment: The c.7752G>A variant (also known as p.V2584V), located in coding exon 46 of the FLNA gene, results from a G to A substitution at nucleotide position 7752. This nucleotide substitution does not change the valine at codon 2584. Based on data from gnomAD, the A allele has an overall frequency of 0.0006% (1/175692) total alleles studied, with 0 hemizygote(s) observed. The highest observed frequency was 0.0013% (1/77781) of European (non-Finnish) alleles. This nucleotide position is poorly conserved in available vertebrate species. In silico splice site analysis for this alteration is inconclusive. Since supporting evidence is limited at this time, the clinical significance of this alteration remains unclear.